The following is an entry in ClinVar:

ClinVar aggregate classification (germline): Conflicting classifications of pathogenicity. Review status: criteria provided, conflicting classifications (1 of 4 stars). 2 submissions from 2 submitters: Uncertain significance (1); Likely benign (1). Last evaluated 2024-04-12.

Conditions:
Breast-ovarian cancer, familial, susceptibility to, 1 (BROVCA1). Also called: BRCA1 Hereditary Breast and Ovarian Cancer; OVARIAN CANCER, SUSCEPTIBILITY TO. Identifiers: Orphanet 145, MedGen C2676676, MONDO:0011450, OMIM 604370. Disease mechanism: loss of function.
Hereditary breast ovarian cancer syndrome. Also called: Hereditary breast and/or ovarian cancer syndrome; BRCA1- and BRCA2-Associated Hereditary Breast and Ovarian Cancer; Hereditary breast and ovarian cancer syndrome; Hereditary breast and ovarian cancer; Hereditary breast and ovarian cancer syndrome (HBOC); Breast and ovarian cancer. Identifiers: Orphanet 145, MedGen C0677776, MeSH D061325, MONDO:0003582. Disease mechanism: loss of function.

Submissions (3):

Lupski Lab, Baylor-Hopkins CMG, Baylor College of Medicine
Classification: Likely benign for Breast-ovarian cancer, familial, susceptibility to, 1. Last evaluated: 2024-04-12. Review status: criteria provided, single submitter. Criteria: Dawood et al. (medRxiv. 2024). Collection method: curation. Allele origin: germline.
Comment: Each variant was annotated with functional scores from MAVE data which was translated into functional evidence codes. All other evidence codes and combining criteria were adhered to as closely as possible based on the ClinGen VCEP (Variant Curation Expert Panel) gene-specific recommendations. See Supplemental Figure 34 of final paper (Supp Fig. 28 in preprint: doi:10.1101/2024.04.11.24305690) for a table to see which lines of evidence we did not have data for. The ClinGen VCEPs are highly regarded as the gold-standard for gene-specific variant curation and are developed after extensive evaluation of the evidence by clinical and scientific experts for the particular gene to classify genomic variants on a spectrum from pathogenic to benign using the 2015 ACMG/AMP Variant Interpretation Guidelines as a backbone (PMID: 25741868). Reclassification of these VUS variants from gnomAD or All of Us focused only on variants originally prescribed as VUS in ClinVar. To ensure reproducibility, transparency, and increased throughput, all the procedures for annotating variants and assigning evidence codes were codified using Python. All code has been made freely available and is linked in the Code Availability section and all reclassified variants with evidence codes used can be found in Tables S18-19 (preprint: doi:10.1101/2024.04.11.24305690). For the MAVE data, the clinical curation and clinical strength assignment as per the ClinGen recommendations in Brnich et al. (2020) (PMID: 31892348) for or against pathogenicity or benignity of each of these MAVE datasets utilized in this study were previously published in Fayer et al. (2021) (PMID: 34793697).In brief, for BRCA1 variants, if a variant was categorized as FUNC (functional), it was assigned BS3 evidence and no PS3 evidence, whereas if it was categorized as LOF (loss of function), the variant was assigned PS3 evidence and no BS3 evidence. Variants categorized as INT (intermediate) were left unannotated. For the BRCA1 combining criteria, greater than or equal to 1 criteria of strong benign evidence was enough to reclassify the VUS as Likely Benign. This variant GRCh38:17:43057090:G>C was assigned evidence codes ['BS3', 'BP4'] and an overall classification of Likely benign

Labcorp Genetics (formerly Invitae), Labcorp
Classification: Uncertain significance for Hereditary breast ovarian cancer syndrome. Last evaluated: 2020-05-29. Review status: criteria provided, single submitter. Criteria: Invitae Variant Classification Sherloc (09022015). Collection method: clinical testing. Allele origin: germline.
Comment: This sequence change replaces glutamine with glutamic acid at codon 1747 of the BRCA1 protein (p.Gln1747Glu). The glutamine residue is moderately conserved and there is a small physicochemical difference between glutamine and glutamic acid. This variant is not present in population databases (ExAC no frequency). This variant has not been reported in the literature in individuals with BRCA1-related conditions. ClinVar contains an entry for this variant (Variation ID: 867265). This variant has been reported not to substantially affect BRCA1 protein function (PMID: 30209399). In summary, the available evidence is currently insufficient to determine the role of this variant in disease. Therefore, it has been classified as a Variant of Uncertain Significance.

Brotman Baty Institute, University of Washington
No classification provided (evidence only). Condition: Breast-ovarian cancer, familial 1. Review status: no classification provided. Collection method: in vitro. Allele origin: not applicable. Functional consequence: functionally_normal. Not counted in ClinVar's aggregate classification.
ClinVar note: "not provided" was previously submitted as the classification for the variant. However, the classification appeared to be based only on an observation of functional data so it was converted to no classification on 2025-07-30.

Literature cited by the submitters: PubMed 39142283 (cited by Lupski Lab, Baylor-Hopkins CMG, Baylor College of Medicine); PubMed 34793697 (cited by Lupski Lab, Baylor-Hopkins CMG, Baylor College of Medicine); DOI 10.1101/2024.04.11.24305690 (cited by Lupski Lab, Baylor-Hopkins CMG, Baylor College of Medicine); PubMed 30209399 (cited by Labcorp Genetics (formerly Invitae), Labcorp).

NM_007294.4(BRCA1):c.5239C>G (p.Gln1747Glu)

Gene: BRCA1 (BRCA1 DNA repair associated; minus strand). Cytogenetic location: 17q21.31.
Variant type: single nucleotide variant.
Coding change: c.5239C>G on transcript NM_007294.4 (MANE Select); coding-DNA position 5239, C replaced by G.
Protein change: p.Gln1747Glu; replaces glutamine 1747 with glutamic acid.
Molecular consequence: missense variant. On other transcripts: non-coding transcript variant (1).
Genome position (GRCh38, 1-based): chr17:43,057,090, G>C on the plus strand (C>G on the coding strand, the complement: BRCA1 is on the minus strand). VCF-style: chr17-43057090-G-C. GRCh37 (hg19) VCF-style: chr17-41209107-G-C.
Other names: c.5026C>G, p.Gln1676Glu (NM_001407571.1, NM_001407900.1, NM_001407902.1 and 12 more transcripts); c.5305C>G, p.Gln1769Glu (NM_001407581.1, NM_001407582.1); c.5302C>G, p.Gln1768Glu (NM_001407583.1, NM_001407585.1, NM_001407587.1 and 1 more transcripts); c.5236C>G, p.Gln1746Glu (NM_001407610.1, NM_001407611.1, NM_001407612.1 and 17 more transcripts); c.5233C>G, p.Gln1745Glu (NM_001407629.1, NM_001407630.1, NM_001407631.1 and 14 more transcripts); c.5179C>G, p.Gln1727Glu (NM_001407649.1); c.5161C>G, p.Gln1721Glu (NM_001407652.1, NM_001407653.1, NM_001407654.1 and 1 more transcripts); c.5158C>G, p.Gln1720Glu (NM_001407656.1, NM_001407657.1, NM_001407658.1); and 72 more; short protein forms Q1747E, Q1700E, Q1768E, Q643E, Q1679E, Q1699E, Q1705E, Q1742E.
Identifiers: ClinVar variation 867265 (VCV000867265.13), dbSNP rs80357367, ClinGen allele CA10591063.